The following is an entry in ClinVar:

ClinVar aggregate classification (germline): Uncertain significance (1 of 4 stars; one submission).

Conditions:
Hereditary cancer-predisposing syndrome. Also called: Hereditary neoplastic syndrome; Tumor predisposition; Hereditary Cancer Syndrome; Neoplastic Syndromes, Hereditary. Identifiers: Orphanet 140162, MedGen C0027672, MeSH D009386, MONDO:0015356.

Submission:

Ambry Genetics
Classification: Uncertain significance for Hereditary cancer-predisposing syndrome. Last evaluated: 2023-07-30. Review status: criteria provided, single submitter. Criteria: Ambry Variant Classification Scheme 2023. Collection method: clinical testing. Allele origin: germline.
Comment: The p.H846P variant (also known as c.2537A>C), located in coding exon 15 of the PTCH1 gene, results from an A to C substitution at nucleotide position 2537. The histidine at codon 846 is replaced by proline, an amino acid with similar properties. This amino acid position is conserved. In addition, this alteration is predicted to be deleterious by in silico analysis. Since supporting evidence is limited at this time, the clinical significance of this alteration remains unclear.

NM_000264.5(PTCH1):c.2537A>C (p.His846Pro)

Genes: PTCH1 (patched 1; minus strand), LOC100507346 (uncharacterized LOC100507346; plus strand). Cytogenetic location: 9q22.32.
Variant type: single nucleotide variant.
Coding change: c.2537A>C on transcript NM_000264.5 (MANE Select); coding-DNA position 2537, A replaced by C.
Protein change: p.His846Pro; replaces histidine 846 with proline.
Molecular consequence: missense variant. On other transcripts: non-coding transcript variant (2).
Genome position (GRCh38, 1-based): chr9:95,467,139, T>G on the plus strand (A>C on the coding strand, the complement: PTCH1 is on the minus strand). VCF-style: chr9-95467139-T-G. GRCh37 (hg19) VCF-style: chr9-98229421-T-G.
Other names: c.2339A>C, p.His780Pro (NM_001083602.3); c.2534A>C, p.His845Pro (NM_001083603.3); c.2084A>C, p.His695Pro (NM_001083604.3, NM_001083605.3, NM_001083606.3 and 1 more transcripts); c.2381A>C, p.His794Pro (NM_001354918.2); short protein forms H695P, H794P, H846P, H780P, H845P.
Identifiers: ClinVar variation 2586371 (VCV002586371.2), dbSNP rs2538129050, ClinGen allele CA374113753.